The following is an entry in ClinVar:

ClinVar aggregate classification (germline): Likely pathogenic (1 of 4 stars; one submission).

Conditions:
Cernunnos-XLF deficiency (IMD124). Also called: Severe combined immunodeficiency with sensitivity to ionizing radiation due to NHEJ1 deficiency; SCID, autosomal recessive, T cell-negative, B cell-negative, NK cell-positive, and sensitivity to ionizing radiation due to NHEJ1 deficiency; IMMUNODEFICIENCY 124, SEVERE COMBINED; SCID, AUTOSOMAL RECESSIVE, T CELL-NEGATIVE, B CELL-NEGATIVE, NK CELL-POSITIVE, WITH MICROCEPHALY, GROWTH RETARDATION, AND SENSITIVITY TO IONIZING RADIATION; NHEJ1 SYNDROME. Identifiers: Orphanet 169079, MedGen C1969799, MONDO:0012650, OMIM 611291.

Allele frequency attached by ClinVar (database versions not stated): TOPMed below 0.00001.

Submission:

Labcorp Genetics (formerly Invitae), Labcorp
Classification: Likely pathogenic for Cernunnos-XLF deficiency. Last evaluated: 2021-04-27. Review status: criteria provided, single submitter. Criteria: Invitae Variant Classification Sherloc (09022015). Collection method: clinical testing. Allele origin: germline.
Comment: This sequence change affects an acceptor splice site in intron 4 of the NHEJ1 gene. It is expected to disrupt RNA splicing. Variants that disrupt the donor or acceptor splice site typically lead to a loss of protein function (PMID: 16199547), and loss-of-function variants in NHEJ1 are known to be pathogenic (PMID: 16439204, 20597108). This variant is not present in population databases (ExAC no frequency). This variant has not been reported in the literature in individuals with NHEJ1-related conditions. Algorithms developed to predict the effect of sequence changes on RNA splicing suggest that this variant may disrupt the consensus splice site, but this prediction has not been confirmed by published transcriptional studies. In summary, the currently available evidence indicates that the variant is pathogenic, but additional data are needed to prove that conclusively. Therefore, this variant has been classified as Likely Pathogenic.

Literature cited by the submitters: PubMed 16199547; PubMed 16439204; PubMed 20597108.

NM_024782.3(NHEJ1):c.530-1G>A

Gene: NHEJ1 (non-homologous end joining factor 1; minus strand). Cytogenetic location: 2q35.
Variant type: single nucleotide variant.
Coding change: c.530-1G>A on transcript NM_024782.3 (MANE Select); the canonical splice acceptor site of the intron before coding-DNA position 530, G replaced by A.
Molecular consequence: splice acceptor variant.
Genome position (GRCh38, 1-based): chr2:219,146,739, C>T on the plus strand (G>A on the coding strand, the complement: NHEJ1 is on the minus strand). VCF-style: chr2-219146739-C-T. GRCh37 (hg19) VCF-style: chr2-220011461-C-T.
Other names: c.530-1G>A (NM_001377499.1, NM_001377498.1).
Identifiers: ClinVar variation 1466691 (VCV001466691.8), dbSNP rs1481152382, ClinGen allele CA350626877.